The following is an entry in ClinVar:

ClinVar aggregate classification (germline): Uncertain significance (1 of 4 stars; one submission).

Submission:

Ambry Genetics
Classification: Uncertain significance. Last evaluated: 2025-11-14. Review status: criteria provided, single submitter. Criteria: Ambry Variant Classification Scheme 2023. Collection method: clinical testing. Allele origin: germline.
Comment: The c.4614G>A variant (also known as p.K1538K), located in coding exon 40 of the KIF1B gene, results from a G to A substitution at nucleotide position 4614. This nucleotide substitution does not change the amino acid at codon 1538. This nucleotide position is highly conserved in available vertebrate species. In silico splice site analysis predicts that this alteration will weaken the native splice donor site. The evidence for this gene-disease relationship is limited; therefore, the clinical significance of this alteration is unclear.

NM_001365951.3(KIF1B):c.4752G>A (p.Lys1584=)

Gene: KIF1B (kinesin family member 1B; plus strand). Cytogenetic location: 1p36.22.
Variant type: single nucleotide variant.
Coding change: c.4752G>A on transcript NM_001365951.3 (MANE Select); coding-DNA position 4752, G replaced by A.
Protein change: p.Lys1584=; no amino-acid change (lysine 1584 retained).
Molecular consequence: synonymous variant.
Genome position (GRCh38, 1-based): chr1:10,365,648, G>A. VCF-style: chr1-10365648-G-A. GRCh37 (hg19) VCF-style: chr1-10425706-G-A.
Other names: c.4752G>A, p.Lys1584= (NM_001365952.1); c.4614G>A, p.Lys1538= (NM_015074.3).
Identifiers: ClinVar variation 4543669 (VCV004543669.1).